The following is an entry in ClinVar:

ClinVar aggregate classification (germline): Pathogenic/Likely pathogenic. Review status: criteria provided, multiple submitters, no conflicts (2 of 4 stars). 14 submissions from 14 submitters: Pathogenic (6); Likely pathogenic (3). 5 of the submissions do not count toward it. Last evaluated 2025-05-06.

Conditions:
RYR2-related disorder. Also called: RYR2-related condition.
Cardiovascular phenotype. Identifiers: MedGen CN230736.
Catecholaminergic polymorphic ventricular tachycardia 1. Also called: RYR2-Related Catecholaminergic Polymorphic Ventricular Tachycardia; VENTRICULAR TACHYCARDIA, CATECHOLAMINERGIC POLYMORPHIC, 1, WITH OR WITHOUT ATRIAL DYSFUNCTION AND/OR DILATED CARDIOMYOPATHY; VENTRICULAR TACHYCARDIA, STRESS-INDUCED POLYMORPHIC 1. Identifiers: Orphanet 3286, MedGen C1631597, MONDO:0011484, OMIM 604772.

Submissions (14):

Labcorp Genetics (formerly Invitae), Labcorp
Classification: Pathogenic for Catecholaminergic polymorphic ventricular tachycardia 1. Last evaluated: 2025-05-06. Review status: criteria provided, single submitter. Criteria: Invitae Variant Classification Sherloc (09022015). Collection method: clinical testing. Allele origin: germline.
Comment: This sequence change replaces arginine, which is basic and polar, with glutamine, which is neutral and polar, at codon 4959 of the RYR2 protein (p.Arg4959Gln). This variant is not present in population databases (gnomAD no frequency). This missense change has been observed in individuals with catecholaminergic polymorphic ventricular tachycardia, and RYR2-related disease (PMID: 14571276, 15721128, 16188589, 29453246). It has also been observed to segregate with disease in related individuals. ClinVar contains an entry for this variant (Variation ID: 201365). Invitae Evidence Modeling of protein sequence and biophysical properties (such as structural, functional, and spatial information, amino acid conservation, physicochemical variation, residue mobility, and thermodynamic stability) indicates that this missense variant is expected to disrupt RYR2 protein function with a positive predictive value of 95%. For these reasons, this variant has been classified as Pathogenic.

CeGaT Center for Human Genetics Tuebingen
Classification: Pathogenic. Last evaluated: 2024-11-01. Review status: criteria provided, single submitter. Criteria: CeGaT Center For Human Genetics Tuebingen Variant Classification Criteria Version 2. Collection method: clinical testing. Allele origin: germline. Affected: yes. Observed: 5 variant alleles.
Comment: RYR2: PP1:Strong, PM1, PM2, PM6, PS4:Moderate, PP3

Blueprint Genetics
Classification: Pathogenic for RYR2-related disorders. Last evaluated: 2024-06-28. Review status: criteria provided, single submitter. Criteria: ACMG Guidelines, 2015. Collection method: clinical testing. Allele origin: germline. Affected: yes. Observed: 5 variant alleles.

Department of Human Genetics, Hannover Medical School
Classification: Likely pathogenic for Catecholaminergic polymorphic ventricular tachycardia 1. Last evaluated: 2024-06-10. Review status: criteria provided, single submitter. Criteria: ACMG Guidelines, 2015. Collection method: clinical testing. Allele origin: germline. Affected: yes.

GeneDx
Classification: Pathogenic. Last evaluated: 2023-07-18. Review status: criteria provided, single submitter. Criteria: GeneDx Variant Classification Process June 2021. Collection method: clinical testing. Allele origin: germline. Affected: yes.
Comment: Not observed at significant frequency in large population cohorts (gnomAD); In silico analysis supports that this missense variant has a deleterious effect on protein structure/function; Located in one of the three hot-spot regions of the RYR2 gene, where the majority of pathogenic missense variants occur (Medeiros-Domingo et al., 2009); This variant is associated with the following publications: (PMID: 16188589, 29766881, 24025405, 19926015, 20354512, 15765137, 15721128, 25713214, 29453246, 25514987, 31112425, 28135719, 31785789, 31737537, 14571276, 27231019, 33825858, 35101670, 34725342, 35135837)

Centre for Mendelian Genomics, University Medical Centre Ljubljana
Classification: Pathogenic for Catecholaminergic polymorphic ventricular tachycardia 1. Last evaluated: 2019-06-28. Review status: criteria provided, single submitter. Criteria: ACMG Guidelines, 2015. Collection method: clinical testing. Allele origin: unknown. Affected: yes.
Comment: This variant was classified as: Pathogenic. The following ACMG criteria were applied in classifying this variant: PS1,PP1-S,PM2,PP3.

Ambry Genetics
Classification: Likely pathogenic for Cardiovascular phenotype. Last evaluated: 2019-06-24. Review status: criteria provided, single submitter. Criteria: Ambry Variant Classification Scheme 2023. Collection method: clinical testing. Allele origin: germline.
Comment: The p.R4959Q variant (also known as c.14876G>A), located in coding exon 105 of the RYR2 gene, results from a G to A substitution at nucleotide position 14876. The arginine at codon 4959 is replaced by glutamine, an amino acid with highly similar properties. This alteration has been detected in several individuals with catecholaminergic polymorphic ventricular tachycardia (CPVT), Long QT syndrome (LQTS), and developmental delay (Laitinen PJ et al. Eur. J. Hum. Genet., 2003 Nov;11:888-91; Jabbari J et al. Circ Cardiovasc Genet, 2013 Oct;6:481-9; Medeiros-Domingo A et al. J. Am. Coll. Cardiol., 2009 Nov;54:2065-74; Tester DJ et al. Heart Rhythm, 2005 Oct;2:1099-105; Nature, 2017 02;542:433-438; Kapplinger JD et al. Circ Genom Precis Med, 2018 02;11:e001424; Avari Silva JN et al. J Am Heart Assoc, 2016 05;5:). This amino acid position is highly conserved in available vertebrate species. In addition, this alteration is predicted to be deleterious by in silico analysis. Based on the majority of available evidence to date, this variant is likely to be pathogenic.

SIB Swiss Institute of Bioinformatics
Classification: Likely pathogenic for Catecholaminergic polymorphic ventricular tachycardia 1. Last evaluated: 2018-05-31. Review status: criteria provided, single submitter. Criteria: ACMG Guidelines, 2015. Collection method: curation. Allele origin: unknown.
Comment: This variant is interpreted as a Likely Pathogenic, for Ventricular tachycardia, catecholaminergic polymorphic, 1, in Autosomal Dominant manner. The following ACMG Tag(s) were applied: PP3 => Multiple lines of computational evidence support a deleterious effect on the gene or gene product. PM2 => Absent from controls (or at extremely low frequency if recessive) in Exome Sequencing Project, 1000 Genomes Project, or Exome Aggregation Consortium. PS4-Moderate => PS4 downgraded in strength to Moderate (PMID:14571276,16188589,27231019,15721128). PP1-Moderate => PP1 upgraded in strength to Moderate (PMID:15721128).

Institute Of Molecular Biology And Genetics, Federal Almazov National Medical Research Centre
Classification: Pathogenic for Catecholaminergic polymorphic ventricular tachycardia 1. Last evaluated: 2016-07-27. Review status: criteria provided, single submitter. Criteria: ACMG Guidelines, 2015. Collection method: research. Allele origin: germline. Inheritance: Autosomal dominant inheritance. Affected: yes.
Comment: No relatives are available for genetic testing.

Clinical Genetics Laboratory, University Hospital Schleswig-Holstein
Classification: Pathogenic for Catecholaminergic polymorphic ventricular tachycardia 1. Last evaluated: 2022-02-01. Review status: no assertion criteria provided. Collection method: clinical testing. Allele origin: germline. Affected: yes. Not counted in ClinVar's aggregate classification.

Clinical Genetics, Academic Medical Center
Classification: Pathogenic. Review status: no assertion criteria provided. Collection method: clinical testing. Allele origin: germline. Affected: yes. Study: VKGL Data-share Consensus. Not counted in ClinVar's aggregate classification.

Diagnostic Laboratory, Department of Genetics, University Medical Center Groningen
Classification: Pathogenic. Review status: no assertion criteria provided. Collection method: clinical testing. Allele origin: germline. Affected: yes. Study: VKGL Data-share Consensus. Not counted in ClinVar's aggregate classification.

Genome Diagnostics Laboratory, University Medical Center Utrecht
Classification: Pathogenic. Review status: no assertion criteria provided. Collection method: clinical testing. Allele origin: germline. Affected: yes. Study: VKGL Data-share Consensus. Not counted in ClinVar's aggregate classification.

Joint Genome Diagnostic Labs from Nijmegen and Maastricht, Radboudumc and MUMC+
Classification: Pathogenic. Review status: no assertion criteria provided. Collection method: clinical testing. Allele origin: germline. Affected: yes. Study: VKGL Data-share Consensus. Not counted in ClinVar's aggregate classification.

Literature cited by the submitters: PubMed 14571276 (cited by 3 submitters); PubMed 15721128 (cited by Labcorp Genetics (formerly Invitae), Labcorp and SIB Swiss Institute of Bioinformatics); PubMed 16188589 (cited by 3 submitters); PubMed 29453246 (cited by Labcorp Genetics (formerly Invitae), Labcorp and Ambry Genetics); PubMed 19926015 (cited by Ambry Genetics); PubMed 24025405 (cited by Ambry Genetics); PubMed 27231019 (cited by Ambry Genetics and SIB Swiss Institute of Bioinformatics); PubMed 28135719 (cited by Ambry Genetics).

NM_001035.3(RYR2):c.14876G>A (p.Arg4959Gln)

Gene: RYR2 (ryanodine receptor 2; plus strand). Cytogenetic location: 1q43.
Variant type: single nucleotide variant.
Coding change: c.14876G>A on transcript NM_001035.3 (MANE Select); coding-DNA position 14876, G replaced by A.
Protein change: p.Arg4959Gln; replaces arginine 4959 with glutamine.
Molecular consequence: missense variant.
Genome position (GRCh38, 1-based): chr1:237,832,619, G>A. VCF-style: chr1-237832619-G-A. GRCh37 (hg19) VCF-style: chr1-237995919-G-A.
Other names: p.R4959Q:CGG>CAG; NM_001035.2(RYR2):c.14876G>A(p.Arg4959Gln); c.14876G>A, p.Arg4959Gln (LRG_402t1); short protein forms R4959Q.
Identifiers: ClinVar variation 201365 (VCV000201365.88), dbSNP rs794728811, ClinGen allele CA008450.